The following is an entry in ClinVar:

ClinVar aggregate classification (germline): Pathogenic. Review status: reviewed by expert panel (3 of 4 stars). 2 submissions from 2 submitters: Pathogenic (1). 1 of the submissions does not count toward it. Last evaluated 2016-10-18.

Conditions:
Breast-ovarian cancer, familial, susceptibility to, 2 (BROVCA2). Also called: BRCA2 Hereditary Breast and Ovarian Cancer. Identifiers: Orphanet 145, MedGen C2675520, MONDO:0012933, OMIM 612555. Disease mechanism: loss of function.

Submissions (2):

Evidence-based Network for the Interpretation of Germline Mutant Alleles (ENIGMA)
Classification: Pathogenic for Breast-ovarian cancer, familial, susceptibility to, 2. Last evaluated: 2016-10-18. Review status: reviewed by expert panel. Criteria: ENIGMA BRCA1/2 Classification Criteria (2015). Collection method: curation. Allele origin: germline.
Comment: Variant allele predicted to encode a truncated non-functional protein.

Consortium of Investigators of Modifiers of BRCA1/2 (CIMBA), c/o University of Cambridge
Classification: Pathogenic for Breast-ovarian cancer, familial, susceptibility to, 2. Last evaluated: 2015-10-02. Review status: criteria provided, single submitter. Criteria: CIMBA Mutation Classification guidelines May 2016. Collection method: clinical testing. Allele origin: germline. Not counted in ClinVar's aggregate classification.

NM_000059.4(BRCA2):c.9846dup (p.Val3283fs)

Gene: BRCA2 (BRCA2 DNA repair associated; plus strand). Cytogenetic location: 13q13.1.
Variant type: Duplication.
Coding change: c.9846dup on transcript NM_000059.4 (MANE Select); coding-DNA position 9846, one base duplicated (T; older notation c.9846dupT).
Protein change: p.Val3283fs; shifts the reading frame from valine 3283.
Molecular consequence: frameshift variant.
Genome position (GRCh38, 1-based): chr13:32,398,359, T duplicated. VCF-style (leftmost placement, unchanged base first): chr13-32398358-C-CT. GRCh37 (hg19) VCF-style: chr13-32972495-C-CT.
Other names: 10074dupT; short protein forms V3283fs.
Identifiers: ClinVar variation 267175 (VCV000267175.5), dbSNP rs886040853, ClinGen allele CA10589576.